The following is an entry in ClinVar:

ClinVar aggregate classification (germline): Uncertain significance. Review status: criteria provided, multiple submitters, no conflicts (2 of 4 stars). 2 submissions from 2 submitters: Uncertain significance (2). Last evaluated 2019-10-08.

Conditions:
Early-infantile DEE. Also called: Ohtahara syndrome; Early infantile epileptic encephalopathy; Early infantile epileptic encephalopathy with suppression bursts. Identifiers: Orphanet 1934, MedGen C0393706, MONDO:0800491.

Submissions (2):

Labcorp Genetics (formerly Invitae), Labcorp
Classification: Uncertain significance for Early-infantile DEE. Last evaluated: 2019-10-08. Review status: criteria provided, single submitter. Criteria: Invitae Variant Classification Sherloc (09022015). Collection method: clinical testing. Allele origin: germline.
Comment: This sequence change replaces methionine with valine at codon 524 of the SCN8A protein (p.Met524Val). The methionine residue is highly conserved and there is a small physicochemical difference between methionine and valine. This variant is not present in population databases (ExAC no frequency). In summary, the available evidence is currently insufficient to determine the role of this variant in disease. Therefore, it has been classified as a Variant of Uncertain Significance. Algorithms developed to predict the effect of sequence changes on RNA splicing suggest that this variant may create or strengthen a splice site, but this prediction has not been confirmed by published transcriptional studies. Algorithms developed to predict the effect of missense changes on protein structure and function (SIFT, PolyPhen-2, Align-GVGD) all suggest that this variant is likely to be tolerated, but these predictions have not been confirmed by published functional studies and their clinical significance is uncertain. This variant has not been reported in the literature in individuals with SCN8A-related conditions. ClinVar contains an entry for this variant (Variation ID: 284698).

Eurofins Ntd Llc (ga)
Classification: Uncertain significance. Last evaluated: 2015-11-20. Review status: criteria provided, single submitter. Criteria: EGL Classification Definitions 2015. Collection method: clinical testing. Allele origin: germline. Observed: 1 variant allele, 1 heterozygote.

NM_001330260.2(SCN8A):c.1570A>G (p.Met524Val)

Gene: SCN8A (sodium voltage-gated channel alpha subunit 8; plus strand). Cytogenetic location: 12q13.13.
Variant type: single nucleotide variant.
Coding change: c.1570A>G on transcript NM_001330260.2 (MANE Select); coding-DNA position 1570, A replaced by G.
Protein change: p.Met524Val; replaces methionine 524 with valine.
Molecular consequence: missense variant.
Genome position (GRCh38, 1-based): chr12:51,706,650, A>G. VCF-style: chr12-51706650-A-G. GRCh37 (hg19) VCF-style: chr12-52100434-A-G.
Other names: c.1570A>G, p.Met524Val (NM_001177984.3, NM_001369788.1, NM_014191.4); short protein forms M524V.
Identifiers: ClinVar variation 284698 (VCV000284698.15), dbSNP rs886042925, ClinGen allele CA10604876.